The following is an entry in ClinVar:

NM_002161.6(IARS1):c.25A>G (p.Ile9Val)

Gene: IARS1 (isoleucyl-tRNA synthetase 1; minus strand). Cytogenetic location: 9q22.31.
Variant type: single nucleotide variant.
Coding change: c.25A>G on transcript NM_002161.6 (MANE Select); coding-DNA position 25, A replaced by G.
Protein change: p.Ile9Val; replaces isoleucine 9 with valine.
Molecular consequence: missense variant. On other transcripts: non-coding transcript variant (1).
Genome position (GRCh38, 1-based): chr9:92,289,395, T>C on the plus strand (A>G on the coding strand, the complement: IARS1 is on the minus strand). VCF-style: chr9-92289395-T-C. GRCh37 (hg19) VCF-style: chr9-95051677-T-C.
Other names: c.25A>G (NM_013417.2); c.25A>G, p.Ile9Val (NM_001374299.1, NM_001374300.1, NM_001374301.1 and 17 more transcripts); short protein forms I9V.
Identifiers: ClinVar variation 1312085 (VCV001312085.8), dbSNP rs141442081, ClinGen allele CA5123089.

ClinVar aggregate classification (germline): Uncertain significance. Review status: criteria provided, multiple submitters, no conflicts (2 of 4 stars). 3 submissions from 3 submitters: Uncertain significance (3). Last evaluated 2026-02-10.

Allele frequency attached by ClinVar (database versions not stated): gnomAD 0.00004 and 0.00008; TOPMed 0.00007; gnomAD exomes 0.00012 and 0.00013; 1000 Genomes Project 30x 0.00016; ExAC 0.00018; 1000 Genomes Project 0.00020; ESP Exome Variant Server 0.00023.
gnomAD v4.1: 181 of 1,572,278 alleles (0.012%); highest among the groups gnomAD compares: South Asian, 0.059%; 2 homozygotes.

Submissions (3):

GeneDx
Classification: Uncertain significance. Last evaluated: 2026-02-10. Review status: criteria provided, single submitter. Criteria: GeneDx Variant Classification Process June 2021. Collection method: clinical testing. Allele origin: germline. Affected: yes.
Comment: In silico analysis, which includes protein predictors and evolutionary conservation, supports that this variant does not alter protein structure/function; Has not been previously published as pathogenic or benign to our knowledge

Labcorp Genetics (formerly Invitae), Labcorp
Classification: Uncertain significance. Last evaluated: 2025-12-15. Review status: criteria provided, single submitter. Criteria: Invitae Variant Classification Sherloc (09022015). Collection method: clinical testing. Allele origin: germline.
Comment: This sequence change replaces isoleucine, which is neutral and non-polar, with valine, which is neutral and non-polar, at codon 9 of the IARS protein (p.Ile9Val). This variant is present in population databases (rs141442081, gnomAD 0.05%). This variant has not been reported in the literature in individuals affected with IARS-related conditions. ClinVar contains an entry for this variant (Variation ID: 1312085). An algorithm developed to predict the effect of missense changes on protein structure and function (PolyPhen-2) suggests that this variant is likely to be tolerated. In summary, the available evidence is currently insufficient to determine the role of this variant in disease. Therefore, it has been classified as a Variant of Uncertain Significance.

Ambry Genetics
Classification: Uncertain significance. Last evaluated: 2024-01-09. Review status: criteria provided, single submitter. Criteria: Ambry Variant Classification Scheme 2023. Collection method: clinical testing. Allele origin: germline.